The following is an entry in ClinVar:

NM_001142800.2(EYS):c.8182G>A (p.Ala2728Thr)

Gene: EYS (EGF-like photoreceptor maintenance factor; minus strand). Cytogenetic location: 6q12.
Variant type: single nucleotide variant.
Coding change: c.8182G>A on transcript NM_001142800.2 (MANE Select); coding-DNA position 8182, G replaced by A.
Protein change: p.Ala2728Thr; replaces alanine 2728 with threonine.
Molecular consequence: missense variant.
Genome position (GRCh38, 1-based): chr6:63,726,570, C>T on the plus strand (G>A on the coding strand, the complement: EYS is on the minus strand). VCF-style: chr6-63726570-C-T. GRCh37 (hg19) VCF-style: chr6-64436463-C-T.
Other names: c.8245G>A, p.Ala2749Thr (NM_001292009.2); short protein forms A2728T, A2749T.
Identifiers: ClinVar variation 990439 (VCV000990439.5), dbSNP rs995862502, ClinGen allele CA140237396.

ClinVar aggregate classification (germline): Uncertain significance. Review status: criteria provided, multiple submitters, no conflicts (2 of 4 stars). 5 submissions from 5 submitters: Uncertain significance (4). 1 of the submissions does not count toward it. Last evaluated 2023-10-01.

Conditions:
Retinal dystrophy. Also called: Inherited retinal dystrophy. Identifiers: Orphanet 71862, MedGen C0854723, MeSH D058499, MONDO:0019118, HP:0000556.
Autosomal recessive retinitis pigmentosa. Identifiers: MedGen C0339526.
Retinitis pigmentosa 25 (RP25). Identifiers: Orphanet 791, MedGen C1864446, MONDO:0011272, OMIM 602772.

Allele frequency attached by ClinVar (database versions not stated): gnomAD exomes 0.00001; TOPMed 0.00001; gnomAD 0.00002.
gnomAD v4.1: 14 of 1,551,112 alleles (0.0009%); highest among the groups gnomAD compares: South Asian, 0.0071%; no homozygotes.

Submissions (5):

Dept Of Ophthalmology, Nagoya University
Classification: Uncertain significance for Retinal dystrophy. Last evaluated: 2023-10-01. Review status: criteria provided, single submitter. Criteria: Submitter's publication. Collection method: research. Allele origin: germline. Affected: yes.

Blueprint Genetics
Classification: Uncertain significance. Last evaluated: 2023-07-18. Review status: criteria provided, single submitter. Criteria: ACMG Guidelines, 2015. Collection method: clinical testing. Allele origin: germline.

Labcorp Genetics (formerly Invitae), Labcorp
Classification: Uncertain significance. Last evaluated: 2022-04-28. Review status: criteria provided, single submitter. Criteria: Invitae Variant Classification Sherloc (09022015). Collection method: clinical testing. Allele origin: germline.
Comment: This sequence change replaces alanine, which is neutral and non-polar, with threonine, which is neutral and polar, at codon 2728 of the EYS protein (p.Ala2728Thr). This variant is not present in population databases (gnomAD no frequency). This variant has not been reported in the literature in individuals affected with EYS-related conditions. ClinVar contains an entry for this variant (Variation ID: 990439). Algorithms developed to predict the effect of missense changes on protein structure and function output the following: SIFT: "Tolerated"; PolyPhen-2: "Benign"; Align-GVGD: "Class C0". The threonine amino acid residue is found in multiple mammalian species, which suggests that this missense change does not adversely affect protein function. In summary, the available evidence is currently insufficient to determine the role of this variant in disease. Therefore, it has been classified as a Variant of Uncertain Significance.

Fulgent Genetics
Classification: Uncertain significance for Retinitis pigmentosa 25. Last evaluated: 2021-10-21. Review status: criteria provided, single submitter. Criteria: ACMG Guidelines, 2015. Collection method: clinical testing. Allele origin: unknown.

Natera, Inc.
Classification: Uncertain significance for Autosomal recessive retinitis pigmentosa. Last evaluated: 2020-08-24. Review status: no assertion criteria provided. Collection method: clinical testing. Allele origin: germline. Not counted in ClinVar's aggregate classification.